The following is an entry in ClinVar:

NM_002474.3(MYH11):c.181G>C (p.Glu61Gln)

Gene: MYH11 (myosin heavy chain 11; minus strand). Cytogenetic location: 16p13.11.
Variant type: single nucleotide variant.
Coding change: c.181G>C on transcript NM_002474.3 (MANE Select); coding-DNA position 181, G replaced by C.
Protein change: p.Glu61Gln; replaces glutamic acid 61 with glutamine.
Molecular consequence: missense variant.
Genome position (GRCh38, 1-based): chr16:15,838,072, C>G on the plus strand (G>C on the coding strand, the complement: MYH11 is on the minus strand). VCF-style: chr16-15838072-C-G. GRCh37 (hg19) VCF-style: chr16-15931929-C-G.
Other names: c.181G>C, p.Glu61Gln (NM_001040113.2, NM_001040114.2, NM_022844.3); short protein forms E61Q.
Identifiers: ClinVar variation 922932 (VCV000922932.4), dbSNP rs2043950817, ClinGen allele CA395198497.

ClinVar aggregate classification (germline): Uncertain significance (1 of 4 stars; one submission).

Conditions:
Familial thoracic aortic aneurysm and aortic dissection (TAAD). Also called: Thoracic aortic aneurysms and dissections. Identifiers: Orphanet 91387, MedGen C4707243, MONDO:0019625.

Allele frequency attached by ClinVar (database versions not stated): gnomAD exomes below 0.00001.
gnomAD v4.1: 1 of 1,614,104 alleles (0.000062%); highest among the groups gnomAD compares: Middle Eastern, 0.016%; no homozygotes.

Submission:

Color Diagnostics, LLC DBA Color Health
Classification: Uncertain significance for Familial thoracic aortic aneurysm and aortic dissection. Last evaluated: 2024-03-06. Review status: criteria provided, single submitter. Criteria: ACMG Guidelines, 2015. Collection method: clinical testing. Allele origin: germline.
Comment: This missense variant replaces glutamic acid with glutamine at codon 61 of the MYH11 protein. Computational prediction is inconclusive regarding the impact of this variant on protein structure and function (internally defined REVEL score threshold 0.5 < inconclusive < 0.7, PMID: 27666373). To our knowledge, functional studies have not been reported for this variant. This variant has not been reported in individuals affected with cardiovascular disorders in the literature. This variant has not been identified in the general population by the Genome Aggregation Database (gnomAD). The available evidence is insufficient to determine the role of this variant in disease conclusively. Therefore, this variant is classified as a Variant of Uncertain Significance.